The following is an entry in ClinVar:

ClinVar aggregate classification (germline): Uncertain significance. Review status: criteria provided, multiple submitters, no conflicts (2 of 4 stars). 3 submissions from 3 submitters: Uncertain significance (3). Last evaluated 2025-06-21.

Conditions:
Hereditary cancer-predisposing syndrome. Also called: Hereditary Cancer Syndrome; Hereditary neoplastic syndrome; Neoplastic Syndromes, Hereditary; Tumor predisposition. Identifiers: Orphanet 140162, MedGen C0027672, MeSH D009386, MONDO:0015356.

Allele frequency attached by ClinVar (database versions not stated): TOPMed below 0.00001; gnomAD 0.00001; gnomAD exomes 0.00001.
gnomAD v4.1: 11 of 1,613,100 alleles (0.00068%); highest among the groups gnomAD compares: Non-Finnish European, 0.00085%; no homozygotes.

Submissions (3):

Ambry Genetics
Classification: Uncertain significance for Hereditary cancer-predisposing syndrome. Last evaluated: 2025-06-21. Review status: criteria provided, single submitter. Criteria: Ambry Variant Classification Scheme 2023. Collection method: clinical testing. Allele origin: germline.
Comment: The p.P324A variant (also known as c.970C>G), located in coding exon 10 of the POLE gene, results from a C to G substitution at nucleotide position 970. The proline at codon 324 is replaced by alanine, an amino acid with highly similar properties. This amino acid position is conserved. In addition, the in silico prediction for this alteration is inconclusive. Since supporting evidence is limited at this time, the clinical significance of this alteration remains unclear.

GeneDx
Classification: Uncertain significance. Last evaluated: 2022-10-11. Review status: criteria provided, single submitter. Criteria: GeneDx Variant Classification Process June 2021. Collection method: clinical testing. Allele origin: germline. Affected: yes.
Comment: Not observed at significant frequency in large population cohorts (gnomAD); In silico analysis supports that this missense variant has a deleterious effect on protein structure/function; Has not been previously published as pathogenic or benign to our knowledge; This variant is associated with the following publications: (PMID: 20951805)

Labcorp Genetics (formerly Invitae), Labcorp
Classification: Uncertain significance. Last evaluated: 2022-01-17. Review status: criteria provided, single submitter. Criteria: Invitae Variant Classification Sherloc (09022015). Collection method: clinical testing. Allele origin: germline.
Comment: In summary, the available evidence is currently insufficient to determine the role of this variant in disease. Therefore, it has been classified as a Variant of Uncertain Significance. Algorithms developed to predict the effect of missense changes on protein structure and function (SIFT, PolyPhen-2, Align-GVGD) all suggest that this variant is likely to be disruptive. This variant has not been reported in the literature in individuals affected with POLE-related conditions. This variant is not present in population databases (gnomAD no frequency). This sequence change replaces proline, which is neutral and non-polar, with alanine, which is neutral and non-polar, at codon 324 of the POLE protein (p.Pro324Ala).

NM_006231.4(POLE):c.970C>G (p.Pro324Ala)

Gene: POLE (DNA polymerase epsilon, catalytic subunit; minus strand). Cytogenetic location: 12q24.33.
Variant type: single nucleotide variant.
Coding change: c.970C>G on transcript NM_006231.4 (MANE Select); coding-DNA position 970, C replaced by G.
Protein change: p.Pro324Ala; replaces proline 324 with alanine.
Molecular consequence: missense variant.
Genome position (GRCh38, 1-based): chr12:132,676,144, G>C on the plus strand (C>G on the coding strand, the complement: POLE is on the minus strand). VCF-style: chr12-132676144-G-C. GRCh37 (hg19) VCF-style: chr12-133252730-G-C.
Other names: short protein forms P324A.
Identifiers: ClinVar variation 1767934 (VCV001767934.9), dbSNP rs1397733219, ClinGen allele CA387363693.